The following is an entry in ClinVar:

NM_001415.4(EIF2S3):c.1183-15A>G

Gene: EIF2S3 (eukaryotic translation initiation factor 2 subunit gamma; plus strand). Cytogenetic location: Xp22.11.
Variant type: single nucleotide variant.
Coding change: c.1183-15A>G on transcript NM_001415.4 (MANE Select); 15 bases into the intron before coding-DNA position 1183, A replaced by G.
Molecular consequence: intron variant.
Genome position (GRCh38, 1-based): chrX:24,073,076, A>G. VCF-style: chrX-24073076-A-G. GRCh37 (hg19) VCF-style: chrX-24091193-A-G.
Identifiers: ClinVar variation 1033838 (VCV001033838.2), dbSNP rs1379305185, ClinGen allele CA640984188.

ClinVar aggregate classification (germline): Conflicting classifications of pathogenicity. Review status: criteria provided, conflicting classifications (1 of 4 stars). 2 submissions from 2 submitters: Uncertain significance (1); Likely benign (1). Last evaluated 2023-10-20.

Conditions:
MEHMO syndrome (MEHMO). Also called: Mental retardation, X-linked, syndromic, Borck type; MENTAL RETARDATION, X-LINKED, SYNDROMIC 20; MENTAL RETARDATION, X-LINKED, SYNDROMIC 25. Identifiers: Orphanet 85282, MedGen C1846278, MONDO:0010258, OMIM 300148.

Allele frequency attached by ClinVar (database versions not stated): gnomAD 0.00001; TOPMed 0.00001.
gnomAD v4.1: 13 of 1,187,990 alleles (0.0011%); highest among the groups gnomAD compares: Non-Finnish European, 0.0015%; no homozygotes.

Submissions (2):

Blueprint Genetics
Classification: Likely benign. Last evaluated: 2023-10-20. Review status: criteria provided, single submitter. Criteria: ACMG Guidelines, 2015. Collection method: clinical testing. Allele origin: germline.

Baylor Genetics
Classification: Uncertain significance for MEHMO syndrome. Last evaluated: 2018-07-31. Review status: criteria provided, single submitter. Criteria: ACMG Guidelines, 2015. Collection method: clinical testing. Allele origin: maternal. Affected: yes.
Comment: This variant was determined to be of uncertain significance according to ACMG Guidelines, 2015 [PMID:25741868].